The following is an entry in ClinVar:

NM_006031.6(PCNT):c.9756C>T (p.Thr3252=)

Gene: PCNT (pericentrin; plus strand). Cytogenetic location: 21q22.3.
Variant type: single nucleotide variant.
Coding change: c.9756C>T on transcript NM_006031.6 (MANE Select); coding-DNA position 9756, C replaced by T.
Protein change: p.Thr3252=; no amino-acid change (threonine 3252 retained).
Molecular consequence: synonymous variant.
Genome position (GRCh38, 1-based): chr21:46,443,865, C>T. VCF-style: chr21-46443865-C-T. GRCh37 (hg19) VCF-style: chr21-47863778-C-T.
Other names: c.9165C>T, p.Thr3055= (NM_001315529.2).
Identifiers: ClinVar variation 4996095 (VCV004996095.1).

ClinVar aggregate classification (germline): Likely benign (1 of 4 stars; one submission).

Conditions:
PCNT-related disorder. Also called: PCNT-related condition.

gnomAD v4.1: 1 of 1,613,328 alleles (0.000062%); highest among the groups gnomAD compares: East Asian, 0.0022%; no homozygotes.

Submission:

PreventionGenetics, part of Exact Sciences
Classification: Likely benign for PCNT-related condition. Last evaluated: 2026-08-21. Review status: criteria provided, single submitter. Criteria: ACMG Guidelines, 2015. Collection method: clinical testing. Allele origin: germline.
Comment: This variant is classified as likely benign based on ACMG/AMP sequence variant interpretation guidelines (Richards et al. 2015 PMID: 25741868, with internal and published modifications).